The following is an entry in ClinVar:

NM_201384.3(PLEC):c.536G>A (p.Arg179Gln)

Gene: PLEC (plectin; minus strand). Cytogenetic location: 8q24.3.
Variant type: single nucleotide variant.
Coding change: c.536G>A on transcript NM_201384.3 (MANE Select); coding-DNA position 536, G replaced by A.
Protein change: p.Arg179Gln; replaces arginine 179 with glutamine.
Molecular consequence: missense variant.
Genome position (GRCh38, 1-based): chr8:143,935,914, C>T on the plus strand (G>A on the coding strand, the complement: PLEC is on the minus strand). VCF-style: chr8-143935914-C-T. GRCh37 (hg19) VCF-style: chr8-145010082-C-T.
Other names: c.617G>A (NM_000445.4, NM_000445.3); c.617G>A, p.Arg206Gln (NM_000445.5); c.494G>A, p.Arg165Gln (NM_201378.4); c.470G>A, p.Arg157Gln (NM_201379.3); c.947G>A, p.Arg316Gln (NM_201380.4); c.440G>A, p.Arg147Gln (NM_201381.3); c.536G>A, p.Arg179Gln (NM_201382.4); c.548G>A, p.Arg183Gln (NM_201383.3); short protein forms R147Q, R157Q, R165Q, R179Q, R183Q, R206Q, R316Q.
Identifiers: ClinVar variation 1001011 (VCV001001011.10), dbSNP rs566549191, ClinGen allele CA4928412.
Genomic context (GRCh38, chr8:143,935,914, plus strand): 5'-CGGTGGATGATGGCATTGAAGAGGCGGCCGTCTCTCCAGCTGGAGGTGAAGTTGTCGCAT[C>T]GCAGGCCCTGGTACCCCTCCACCATTCGCTGCGACCACAGCAGCAGCTTCTCCTTGGCCG-3'
Protein context (NP_958786.1, residues 169-189): QRMVEGYQGL[Arg179Gln]CDNFTSSWRD

ClinVar aggregate classification (germline): Uncertain significance. Review status: criteria provided, multiple submitters, no conflicts (2 of 4 stars). 4 submissions from 4 submitters: Uncertain significance (4). Last evaluated 2025-11-25.

Conditions:
PLEC-related disorder. Also called: PLEC-related disorders; PLEC-related condition.
Inborn genetic diseases. Identifiers: MedGen C0950123, MeSH D030342.
Epidermolysis bullosa simplex, Ogna type (EBS5A). Also called: Pidermolysis bullosa simplex 5A, Ogna type; EPIDERMOLYSIS BULLOSA SIMPLEX 5A, OGNA TYPE. Identifiers: Orphanet 79401, MedGen C0432317, MONDO:0007555, OMIM 131950.
Epidermolysis bullosa simplex 5B, with muscular dystrophy (EBS5B). Also called: Epidermolysis bullosa simplex with muscular dystrophy; EPIDERMOLYSIS BULLOSA SIMPLEX AND LIMB-GIRDLE MUSCULAR DYSTROPHY. Identifiers: Orphanet 257, MedGen C2931072, MONDO:0009181, OMIM 226670.
Epidermolysis bullosa simplex with nail dystrophy (EBS5D). Identifiers: MedGen C4225309, MONDO:0014661, OMIM 616487.
Autosomal recessive limb-girdle muscular dystrophy type 2Q (LGMDR17). Also called: MUSCULAR DYSTROPHY, LIMB-GIRDLE, AUTOSOMAL RECESSIVE 17. Identifiers: Orphanet 254361, MedGen C3150989, MONDO:0013390, OMIM 613723.
Epidermolysis bullosa simplex 5C, with pyloric atresia (EBS5C). Also called: PLEC-Related Epidermolysis Bullosa with Pyloric Atresia; Epidermolysis bullosa simplex with pyloric atresia; PLEC1-Related Epidermolysis Bullosa with Pyloric Atresia. Identifiers: Orphanet 158684, MedGen C2677349, MONDO:0012807, OMIM 612138.

Allele frequency attached by ClinVar (database versions not stated): TOPMed 0.00002; gnomAD 0.00003 and 0.00004.
gnomAD v4.1: 65 of 1,612,856 alleles (0.004%); highest among the groups gnomAD compares: South Asian, 0.0055%; no homozygotes.

Submissions (4):

PreventionGenetics, part of Exact Sciences
Classification: Uncertain significance for PLEC-related condition. Last evaluated: 2025-11-25. Review status: criteria provided, single submitter. Criteria: ACMG Guidelines, 2015. Collection method: clinical testing. Allele origin: germline.
Comment: The PLEC c.617G>A variant is predicted to result in the amino acid substitution p.Arg206Gln. To our knowledge, this variant has not been reported in the literature. This variant is reported in 0.0094% of alleles in individuals of European (Non-Finnish) descent in gnomAD. At this time, the clinical significance of this variant is uncertain due to the absence of conclusive functional and genetic evidence.

Labcorp Genetics (formerly Invitae), Labcorp
Classification: Uncertain significance for Autosomal recessive limb-girdle muscular dystrophy type 2Q; Epidermolysis bullosa simplex, Ogna type; Epidermolysis bullosa simplex with nail dystrophy; Epidermolysis bullosa simplex 5C, with pyloric atresia; Epidermolysis bullosa simplex 5B, with muscular dystrophy. Last evaluated: 2025-11-19. Review status: criteria provided, single submitter. Criteria: Invitae Variant Classification Sherloc (09022015). Collection method: clinical testing. Allele origin: germline.
Comment: This sequence change replaces arginine, which is basic and polar, with glutamine, which is neutral and polar, at codon 206 of the PLEC protein (p.Arg206Gln). This variant is present in population databases (rs566549191, gnomAD 0.009%). This variant has not been reported in the literature in individuals affected with PLEC-related conditions. ClinVar contains an entry for this variant (Variation ID: 1001011). Experimental studies and prediction algorithms are not available or were not evaluated, and the functional significance of this variant is currently unknown. In summary, the available evidence is currently insufficient to determine the role of this variant in disease. Therefore, it has been classified as a Variant of Uncertain Significance.

Ambry Genetics
Classification: Uncertain significance for Inborn genetic diseases. Last evaluated: 2025-03-18. Review status: criteria provided, single submitter. Criteria: Ambry Variant Classification Scheme 2023. Collection method: clinical testing. Allele origin: germline.

Revvity Omics, Revvity
Classification: Uncertain significance. Last evaluated: 2019-11-19. Review status: criteria provided, single submitter. Criteria: ACMG Guidelines, 2015. Collection method: clinical testing. Allele origin: germline.